The following is an entry in ClinVar:

NM_016216.4(DBR1):c.589dup (p.Arg197fs)

Gene: DBR1 (debranching RNA lariats 1; minus strand). Cytogenetic location: 3q22.3.
Variant type: Duplication.
Coding change: c.589dup on transcript NM_016216.4 (MANE Select); coding-DNA position 589, one base duplicated (C; older notation c.589dupC).
Protein change: p.Arg197fs; shifts the reading frame from arginine 197.
Molecular consequence: frameshift variant.
Genome position (GRCh38, 1-based): chr3:138,167,206, G duplicated on the plus strand (C on the coding strand, the reverse complement: DBR1 is on the minus strand); the first of 2 consecutive G bases (chr3:138,167,206-138,167,207); duplicating either gives the same sequence. VCF-style (leftmost placement, unchanged base first): chr3-138167205-C-CG. GRCh37 (hg19) VCF-style: chr3-137886047-C-CG.
Other names: short protein forms R197fs.
Identifiers: ClinVar variation 3254746 (VCV003254746.2), dbSNP rs1373357744.

ClinVar aggregate classification (germline): Pathogenic (1 of 4 stars; one submission).

Conditions:
Encephalitis, acute, infection (viral)-induced, susceptibility to, 11. Identifiers: MedGen C5561941, MONDO:0030334, OMIM 619441.

Submission:

Victorian Clinical Genetics Services, Murdoch Childrens Research Institute
Classification: Pathogenic for Encephalitis, acute, infection (viral)-induced, susceptibility to, 11. Last evaluated: 2023-07-17. Review status: criteria provided, single submitter. Criteria: ACMG Guidelines, 2015. Collection method: clinical testing. Allele origin: germline. Inheritance: Autosomal dominant inheritance. Affected: yes.
Comment: Based on the classification scheme VCGS_Germline_v1.3.4, this variant is classified as Pathogenic. Following criteria are met: 0102 - Loss of function is a known mechanism of disease in this gene and is associated with encephalitis, acute, infection (viral)-induced, susceptibility to, 11 (MIM#619441). (I) 0106 - This gene is associated with autosomal recessive disease. (I) 0201 - Variant is predicted to cause nonsense-mediated decay (NMD) and loss of protein (premature termination codon is located at least 54 nucleotides upstream of the final exon-exon junction). (SP) 0251 - This variant is heterozygous. (I) 0304 - Variant is present in gnomAD <0.01 for a recessive condition (v3: 1 heterozygote, 0 homozygotes). (SP) 0704 - NMD-predicted variants comparable to the one identified in this case have limited previous evidence for pathogenicity. The p.(Arg197*) variant has been reported as compound heterozygous with a missense variant in a patient with brainstem viral encephalitis (PMID: 29474921). (SP) 0807 - This variant has no previous evidence of pathogenicity. (I) 0905 - No published segregation evidence has been identified for this variant. (I) 1007 - No published functional evidence has been identified for this variant. (I) 1102 - Strong phenotype match for this individual. (SP) 1201 - Heterozygous variant detected in trans with a second likely pathogenic heterozygous variant (NM_016216.3(DBR1):c.233C>T; p.(Thr78Met)) in a recessive disease. (I) (SP) - Supporting pathogenic, (I) - Information, (SB) - Supporting benign

Literature cited by the submitters: PubMed 29474921.